The following is an entry in ClinVar:

NM_005006.7(NDUFS1):c.1012G>A (p.Val338Met)

Gene: NDUFS1 (NADH:ubiquinone oxidoreductase core subunit S1; minus strand). Cytogenetic location: 2q33.3.
Variant type: single nucleotide variant.
Coding change: c.1012G>A on transcript NM_005006.7 (MANE Select); coding-DNA position 1012, G replaced by A.
Protein change: p.Val338Met; replaces valine 338 with methionine.
Molecular consequence: missense variant.
Genome position (GRCh38, 1-based): chr2:206,142,807, C>T on the plus strand (G>A on the coding strand, the complement: NDUFS1 is on the minus strand). VCF-style: chr2-206142807-C-T. GRCh37 (hg19) VCF-style: chr2-207007531-C-T.
Other names: c.904G>A, p.Val302Met (NM_001199981.2); c.679G>A, p.Val227Met (NM_001199982.2); c.841G>A, p.Val281Met (NM_001199983.2); c.1054G>A, p.Val352Met (NM_001199984.2); short protein forms V338M, V227M, V281M, V352M, V302M.
Identifiers: ClinVar variation 2084414 (VCV002084414.3), dbSNP rs764561804, ClinGen allele CA2070582.

ClinVar aggregate classification (germline): Uncertain significance (1 of 4 stars; one submission).

Allele frequency attached by ClinVar (database versions not stated): ExAC 0.00001; gnomAD 0.00001; gnomAD exomes 0.00001.
gnomAD v4.1: 24 of 1,614,066 alleles (0.0015%); highest among the groups gnomAD compares: Middle Eastern, 0.049%; no homozygotes.

Submission:

Labcorp Genetics (formerly Invitae), Labcorp
Classification: Uncertain significance. Last evaluated: 2022-03-22. Review status: criteria provided, single submitter. Criteria: Invitae Variant Classification Sherloc (09022015). Collection method: clinical testing. Allele origin: germline.
Comment: In summary, the available evidence is currently insufficient to determine the role of this variant in disease. Therefore, it has been classified as a Variant of Uncertain Significance. Algorithms developed to predict the effect of missense changes on protein structure and function are either unavailable or do not agree on the potential impact of this missense change (SIFT: "Deleterious"; PolyPhen-2: "Benign"; Align-GVGD: "Class C0"). This variant has not been reported in the literature in individuals affected with NDUFS1-related conditions. This variant is present in population databases (rs764561804, gnomAD 0.01%). This sequence change replaces valine, which is neutral and non-polar, with methionine, which is neutral and non-polar, at codon 338 of the NDUFS1 protein (p.Val338Met).